The following is an entry in ClinVar:

NM_000202.8(IDS):c.71dup (p.Gly25fs)

Genes: IDS (iduronate 2-sulfatase; minus strand), LOC130068781 (ATAC-STARR-seq lymphoblastoid active region 30015; plus strand). Cytogenetic location: Xq28.
Variant type: Duplication.
Coding change: c.71dup on transcript NM_000202.8 (MANE Select); coding-DNA position 71, one base duplicated (T; older notation c.71dupT).
Protein change: p.Gly25fs; shifts the reading frame from glycine 25.
Molecular consequence: frameshift variant. On other transcripts: 5 prime UTR variant (1), non-coding transcript variant (1).
Genome position (GRCh38, 1-based): chrX:149,505,067, A duplicated on the plus strand (T on the coding strand, the reverse complement: IDS is on the minus strand). VCF-style (leftmost placement, unchanged base first): chrX-149505066-G-GA. GRCh37 (hg19) VCF-style: chrX-148586596-G-GA.
Other names: c.-156dup (NM_001166550.4); c.71dup, p.Gly25fs (NM_006123.5); short protein forms G25fs.
Identifiers: ClinVar variation 3255642 (VCV003255642.2).
Genomic context (GRCh38, chrX:149,505,066, plus strand): 5'-AGAGATGGCAGGGAGGGCGTGGGCGGCACCTGTGGTCGAGTTGGCCTGCGTTTCGGATCC[G>GA]AGGGCGACGCAGACGGAGCTCAGAACCAGACCCAGCCAGAGAAGGCCTCGGCCGGTCCGG-3'

ClinVar aggregate classification (germline): Pathogenic (1 of 4 stars; one submission).

Conditions:
Mucopolysaccharidosis, MPS-II (MPS2). Also called: Hunter Syndrome; IDURONATE 2-SULFATASE DEFICIENCY; Mucopolysaccharidosis Type II; Mucopolysaccharidosis type 2; Attenuated MPS (subtype; formerly known as mild MPS II); Severe MPS II. Identifiers: Orphanet 580, Orphanet 79388, MedGen C0026705, MONDO:0010674, OMIM 309900.

Submission:

Laboratory of Diagnosis and Therapy of Lysosomal Disorders, University of Padova
Classification: Pathogenic for Mucopolysaccharidosis, MPS-II. Last evaluated: 2024-06-07. Review status: criteria provided, single submitter. Criteria: ACMG Guidelines, 2015. Collection method: literature only. Allele origin: germline. Affected: yes. Observed: 1 variant allele.
Comment: Null variant (PVS1_VeryStrong), Absent from controls (or at low frequency) in gnomAD database (PM2_Moderate), Patient’s phenotype or family history highly specific for the disease (PP4_Strong)

Classification method: ACMG Guidelines [PMID:25741868] with modifications

Literature cited by the submitters: PubMed 9875019.